The following is an entry in ClinVar:

NM_032730.5(RTN4IP1):c.1083+3A>C

Gene: RTN4IP1 (reticulon 4 interacting protein 1; minus strand). Cytogenetic location: 6q21.
Variant type: single nucleotide variant.
Coding change: c.1083+3A>C on transcript NM_032730.5 (MANE Select); 3 bases into the intron after coding-DNA position 1083, A replaced by C.
Molecular consequence: intron variant.
Genome position (GRCh38, 1-based): chr6:106,583,325, T>G on the plus strand (A>C on the coding strand, the complement: RTN4IP1 is on the minus strand). VCF-style: chr6-106583325-T-G. GRCh37 (hg19) VCF-style: chr6-107031200-T-G.
Other names: c.783+3A>C (NM_001318746.1).
Identifiers: ClinVar variation 2108257 (VCV002108257.1), dbSNP rs940237730, ClinGen allele CA144968951.

ClinVar aggregate classification (germline): Uncertain significance (1 of 4 stars; one submission).

Allele frequency attached by ClinVar (database versions not stated): TOPMed 0.00001.

Submission:

Labcorp Genetics (formerly Invitae), Labcorp
Classification: Uncertain significance. Last evaluated: 2022-03-10. Review status: criteria provided, single submitter. Criteria: Invitae Variant Classification Sherloc (09022015). Collection method: clinical testing. Allele origin: germline.
Comment: This sequence change falls in intron 8 of the RTN4IP1 gene. It does not directly change the encoded amino acid sequence of the RTN4IP1 protein. It affects a nucleotide within the consensus splice site. This variant is not present in population databases (gnomAD no frequency). This variant has not been reported in the literature in individuals affected with RTN4IP1-related conditions. Variants that disrupt the consensus splice site are a relatively common cause of aberrant splicing (PMID: 17576681, 9536098). Algorithms developed to predict the effect of sequence changes on RNA splicing suggest that this variant may disrupt the consensus splice site. In summary, the available evidence is currently insufficient to determine the role of this variant in disease. Therefore, it has been classified as a Variant of Uncertain Significance.

Literature cited by the submitters: PubMed 17576681; PubMed 9536098.